The following is an entry in ClinVar:

NM_001199753.2(CPT1C):c.1264G>A (p.Ala422Thr)

Gene: CPT1C (carnitine palmitoyltransferase 1C; plus strand). Cytogenetic location: 19q13.33.
Variant type: single nucleotide variant.
Coding change: c.1264G>A on transcript NM_001199753.2 (MANE Select); coding-DNA position 1264, G replaced by A.
Protein change: p.Ala422Thr; replaces alanine 422 with threonine.
Molecular consequence: missense variant. On other transcripts: non-coding transcript variant (1).
Genome position (GRCh38, 1-based): chr19:49,706,334, G>A. VCF-style: chr19-49706334-G-A. GRCh37 (hg19) VCF-style: chr19-50209591-G-A.
Other names: c.1231G>A, p.Ala411Thr (NM_001136052.3, NM_001378485.1, NM_001378487.1); c.1264G>A, p.Ala422Thr (NM_001199752.3, NM_001378483.1, NM_001378484.1 and 3 more transcripts); c.1330G>A, p.Ala444Thr (NM_001378482.1); c.1264G>A (NM_001199752.1); short protein forms A411T, A422T, A444T.
Identifiers: ClinVar variation 2421987 (VCV002421987.7), dbSNP rs777837083, ClinGen allele CA9582128.

ClinVar aggregate classification (germline): Uncertain significance. Review status: criteria provided, multiple submitters, no conflicts (2 of 4 stars). 2 submissions from 2 submitters: Uncertain significance (2). Last evaluated 2025-02-21.

Conditions:
Hereditary spastic paraplegia 73. Also called: Spastic paraplegia 73, autosomal dominant. Identifiers: Orphanet 444099, MedGen C5568981, MONDO:0014568, OMIM 616282.

Allele frequency attached by ClinVar (database versions not stated): gnomAD 0.00002; TOPMed 0.00002; ExAC 0.00003.
gnomAD v4.1: 47 of 1,524,890 alleles (0.0031%); highest among the groups gnomAD compares: Admixed American, 0.022%; no homozygotes.

Submissions (2):

Ambry Genetics
Classification: Uncertain significance. Last evaluated: 2025-02-21. Review status: criteria provided, single submitter. Criteria: Ambry Variant Classification Scheme 2023. Collection method: clinical testing. Allele origin: germline.

Labcorp Genetics (formerly Invitae), Labcorp
Classification: Uncertain significance for Hereditary spastic paraplegia 73. Last evaluated: 2025-02-13. Review status: criteria provided, single submitter. Criteria: Invitae Variant Classification Sherloc (09022015). Collection method: clinical testing. Allele origin: germline.
Comment: This sequence change replaces alanine, which is neutral and non-polar, with threonine, which is neutral and polar, at codon 411 of the CPT1C protein (p.Ala411Thr). The frequency data for this variant in the population databases is considered unreliable, as metrics indicate poor data quality at this position in the gnomAD database. This variant has not been reported in the literature in individuals affected with CPT1C-related conditions. ClinVar contains an entry for this variant (Variation ID: 2421987). Invitae Evidence Modeling of protein sequence and biophysical properties (such as structural, functional, and spatial information, amino acid conservation, physicochemical variation, residue mobility, and thermodynamic stability) indicates that this missense variant is not expected to disrupt CPT1C protein function with a negative predictive value of 80%. In summary, the available evidence is currently insufficient to determine the role of this variant in disease. Therefore, it has been classified as a Variant of Uncertain Significance.